The following is an entry in ClinVar:

ClinVar aggregate classification (germline): Uncertain significance. Review status: criteria provided, multiple submitters, no conflicts (2 of 4 stars). 2 submissions from 2 submitters: Uncertain significance (2). Last evaluated 2023-12-30.

Conditions:
DiGeorge syndrome. Also called: THIRD AND FOURTH PHARYNGEAL POUCH SYNDROME; Catch22. Identifiers: Orphanet 567, MedGen C0012236, MONDO:0008564, OMIM 188400.
Cardiovascular phenotype. Identifiers: MedGen CN230736.

Allele frequency attached by ClinVar (database versions not stated): gnomAD 0.00001; TOPMed 0.00002.

Submissions (2):

Ambry Genetics
Classification: Uncertain significance for Cardiovascular phenotype. Last evaluated: 2023-12-30. Review status: criteria provided, single submitter. Criteria: Ambry Variant Classification Scheme 2023. Collection method: clinical testing. Allele origin: germline.

Labcorp Genetics (formerly Invitae), Labcorp
Classification: Uncertain significance for DiGeorge syndrome. Last evaluated: 2022-10-13. Review status: criteria provided, single submitter. Criteria: Invitae Variant Classification Sherloc (09022015). Collection method: clinical testing. Allele origin: germline.
Comment: ClinVar contains an entry for this variant (Variation ID: 1011340). This variant has not been reported in the literature in individuals affected with TBX1-related conditions. This variant is present in population databases (no rsID available, gnomAD 0.004%). This sequence change replaces aspartic acid, which is acidic and polar, with tyrosine, which is neutral and polar, at codon 348 of the TBX1 protein (p.Asp348Tyr). Algorithms developed to predict the effect of missense changes on protein structure and function are either unavailable or do not agree on the potential impact of this missense change (SIFT: "Deleterious"; PolyPhen-2: "Possibly Damaging"; Align-GVGD: "Class C0"). In summary, the available evidence is currently insufficient to determine the role of this variant in disease. Therefore, it has been classified as a Variant of Uncertain Significance.

NM_001379200.1(TBX1):c.1069G>T (p.Asp357Tyr)

Gene: TBX1 (T-box transcription factor 1; plus strand). Cytogenetic location: 22q11.21.
Variant type: single nucleotide variant.
Coding change: c.1069G>T on transcript NM_001379200.1 (MANE Select); coding-DNA position 1069, G replaced by T.
Protein change: p.Asp357Tyr; replaces aspartic acid 357 with tyrosine.
Molecular consequence: missense variant. On other transcripts: intron variant (2).
Genome position (GRCh38, 1-based): chr22:19,766,421, G>T. VCF-style: chr22-19766421-G-T. GRCh37 (hg19) VCF-style: chr22-19753944-G-T.
Other names: c.1042G>T, p.Asp348Tyr (NM_080647.1); c.1009+419G>T (NM_005992.1, NM_080646.2); short protein forms D348Y, D357Y.
Identifiers: ClinVar variation 1011340 (VCV001011340.10), dbSNP rs1407996016, ClinGen allele CA410684028.
Genomic context (GRCh38, chr22:19,766,421, plus strand): 5'-CGCGCTCACTCCTCGGCCCTCTCCGCAGACGCGGCTGAGGCCCGGCGAGAATTCCAGCGC[G>T]ACGCGGGCGGGCCAGCAGTGCTCGGGGACCCGGCGCATCCTCCGCAGCTGCTGGCCCGGG-3'
Protein context (NP_001366129.1, residues 347-367): AAEARREFQR[Asp357Tyr]AGGPAVLGDP